The following is an entry in ClinVar:

ClinVar aggregate classification (germline): Uncertain significance. Review status: criteria provided, multiple submitters, no conflicts (2 of 4 stars). 4 submissions from 4 submitters: Uncertain significance (4). Last evaluated 2024-04-18.

Conditions:
Joubert syndrome 1 (JBTS1). Also called: Cerebellooculorenal syndrome 1; CEREBELLOPARENCHYMAL DISORDER IV. Identifiers: MedGen C4551568, MONDO:0008944, OMIM 213300.
MORM syndrome (MORMS). Identifiers: Orphanet 75858, MedGen C1857802, MONDO:0012423, OMIM 610156.
Joubert syndrome. Also called: Familial aplasia of the vermis; JOUBERT-BOLTSHAUSER SYNDROME. Identifiers: Orphanet 475, MedGen C5979921, MONDO:0018772.
Inborn genetic diseases. Identifiers: MedGen C0950123, MeSH D030342.

Allele frequency attached by ClinVar (database versions not stated): gnomAD 0.00001 and 0.00002; TOPMed 0.00002; ExAC 0.00005; 1000 Genomes Project 30x 0.00016; 1000 Genomes Project 0.00020.

Submissions (4):

Fulgent Genetics
Classification: Uncertain significance for Joubert syndrome 1; MORM syndrome. Last evaluated: 2024-04-18. Review status: criteria provided, single submitter. Criteria: ACMG Guidelines, 2015. Collection method: clinical testing. Allele origin: germline.

Ambry Genetics
Classification: Uncertain significance for Inborn genetic diseases. Last evaluated: 2024-01-31. Review status: criteria provided, single submitter. Criteria: Ambry Variant Classification Scheme 2023. Collection method: clinical testing. Allele origin: germline.

Labcorp Genetics (formerly Invitae), Labcorp
Classification: Uncertain significance for Joubert syndrome. Last evaluated: 2023-12-11. Review status: criteria provided, single submitter. Criteria: Invitae Variant Classification Sherloc (09022015). Collection method: clinical testing. Allele origin: germline.
Comment: This sequence change replaces glutamine, which is neutral and polar, with arginine, which is basic and polar, at codon 444 of the INPP5E protein (p.Gln444Arg). The frequency data for this variant in the population databases is considered unreliable, as metrics indicate poor data quality at this position in the gnomAD database. This variant has not been reported in the literature in individuals affected with INPP5E-related conditions. ClinVar contains an entry for this variant (Variation ID: 957352). Advanced modeling of protein sequence and biophysical properties (such as structural, functional, and spatial information, amino acid conservation, physicochemical variation, residue mobility, and thermodynamic stability) has been performed at Invitae for this missense variant, however the output from this modeling did not meet the statistical confidence thresholds required to predict the impact of this variant on INPP5E protein function. In summary, the available evidence is currently insufficient to determine the role of this variant in disease. Therefore, it has been classified as a Variant of Uncertain Significance.

Blueprint Genetics
Classification: Uncertain significance. Last evaluated: 2023-06-30. Review status: criteria provided, single submitter. Criteria: ACMG Guidelines, 2015. Collection method: clinical testing. Allele origin: germline.

NM_019892.6(INPP5E):c.1331A>G (p.Gln444Arg)

Gene: INPP5E (inositol polyphosphate-5-phosphatase E; minus strand). Cytogenetic location: 9q34.3.
Variant type: single nucleotide variant.
Coding change: c.1331A>G on transcript NM_019892.6 (MANE Select); coding-DNA position 1331, A replaced by G.
Protein change: p.Gln444Arg; replaces glutamine 444 with arginine.
Molecular consequence: missense variant.
Genome position (GRCh38, 1-based): chr9:136,432,535, T>C on the plus strand (A>G on the coding strand, the complement: INPP5E is on the minus strand). VCF-style: chr9-136432535-T-C. GRCh37 (hg19) VCF-style: chr9-139326987-T-C.
Other names: c.1328A>G, p.Gln443Arg (NM_001318502.2); short protein forms Q443R, Q444R.
Identifiers: ClinVar variation 957352 (VCV000957352.13), dbSNP rs545195109, ClinGen allele CA5336840.
Genomic context (GRCh38, chr9:136,432,535, plus strand): 5'-TCACCTGCGCTGGAGCGATAGGGGTTGGTGTCGGGCACATTTCTGGGCAGGACCAGGGCT[T>C]GTACAGTCCTGGTGTAGTCCAGCAGCCGCTCCGCCACCTTCCCGTCACCTGCTGTGGGAA-3'
Protein context (NP_063945.2, residues 434-454): ERLLDYTRTV[Gln444Arg]ALVLPRNVPD